The following is an entry in ClinVar:

NM_001197104.2(KMT2A):c.4054A>G (p.Ser1352Gly)

Gene: KMT2A (lysine methyltransferase 2A; plus strand). Cytogenetic location: 11q23.3.
Variant type: single nucleotide variant.
Coding change: c.4054A>G on transcript NM_001197104.2 (MANE Select); coding-DNA position 4054, A replaced by G.
Protein change: p.Ser1352Gly; replaces serine 1352 with glycine.
Molecular consequence: missense variant.
Genome position (GRCh38, 1-based): chr11:118,482,463, A>G. VCF-style: chr11-118482463-A-G. GRCh37 (hg19) VCF-style: chr11-118353178-A-G.
Other names: c.4153A>G, p.Ser1385Gly (NM_001412597.1); c.4054A>G, p.Ser1352Gly (NM_005933.4); short protein forms S1385G, S1352G.
Identifiers: ClinVar variation 1903200 (VCV001903200.31), dbSNP rs1376886285, ClinGen allele CA382828992.

ClinVar aggregate classification (germline): Uncertain significance. Review status: criteria provided, multiple submitters, no conflicts (2 of 4 stars). 3 submissions from 3 submitters: Uncertain significance (3). Last evaluated 2025-04-28.

Conditions:
Autism spectrum disorder. Also called: Autism spectrum disorders. Identifiers: MedGen C1510586, MeSH D000067877, MONDO:0005258.

Allele frequency attached by ClinVar (database versions not stated): TOPMed below 0.00001; gnomAD 0.00001.
gnomAD v4.1: 25 of 1,613,626 alleles (0.0015%); highest among the groups gnomAD compares: Non-Finnish European, 0.0019%; no homozygotes.

Submissions (3):

Labcorp Genetics (formerly Invitae), Labcorp
Classification: Uncertain significance. Last evaluated: 2025-04-28. Review status: criteria provided, single submitter. Criteria: Invitae Variant Classification Sherloc (09022015). Collection method: clinical testing. Allele origin: germline.
Comment: This sequence change replaces serine, which is neutral and polar, with glycine, which is neutral and non-polar, at codon 1352 of the KMT2A protein (p.Ser1352Gly). This variant is present in population databases (no rsID available, gnomAD 0.0009%). This variant has not been reported in the literature in individuals affected with KMT2A-related conditions. ClinVar contains an entry for this variant (Variation ID: 1903200). Invitae Evidence Modeling of protein sequence and biophysical properties (such as structural, functional, and spatial information, amino acid conservation, physicochemical variation, residue mobility, and thermodynamic stability) indicates that this missense variant is not expected to disrupt KMT2A protein function with a negative predictive value of 95%. In summary, the available evidence is currently insufficient to determine the role of this variant in disease. Therefore, it has been classified as a Variant of Uncertain Significance.

CeGaT Center for Human Genetics Tuebingen
Classification: Uncertain significance. Last evaluated: 2023-08-01. Review status: criteria provided, single submitter. Criteria: CeGaT Center For Human Genetics Tuebingen Variant Classification Criteria Version 2. Collection method: clinical testing. Allele origin: germline. Affected: yes. Observed: 1 variant allele.

Department of Genetics, Rouen University Hospital, Normandy Center for Genomic and Personalized Medicine
Classification: Uncertain significance for Autism spectrum disorder. Last evaluated: 2022-04-13. Review status: criteria provided, single submitter. Criteria: ACMG Guidelines, 2015. Collection method: clinical testing. Allele origin: maternal. Affected: yes.